The following continues an entry in ClinVar:

NM_001904.4(CTNNB1):c.121A>G (p.Thr41Ala)

ClinVar aggregate classification (germline): Likely pathogenic. Likely pathogenic (2). ClinVar aggregate classification (somatic clinical impact): Tier I - Strong. ClinVar aggregate classification (oncogenicity): Oncogenic.

Submissions 13 to 14 of 14:

Richard Lifton Laboratory, Yale University School of Medicine
Classification: Likely pathogenic. Review status: no assertion criteria provided. Collection method: not provided. Allele origin: somatic. Not counted in ClinVar's aggregate classification.
Comment: CTNNB1:p.T41A
ClinVar note: Converted during submission from probable-pathogenic to Likely pathogenic.

Richard Lifton Laboratory, Yale University School of Medicine
Classification: Uncertain significance. Review status: flagged submission. Collection method: not provided. Allele origin: somatic. Not counted in ClinVar's aggregate classification.
ClinVar note: Converted during submission from unknown to Uncertain significance.
ClinVar note: Reason: This record appears to be redundant with a more recent record from the same submitter.
ClinVar note: Notes: SCV000120058 appears to be redundant with SCV000155161.

Literature cited by the submitters: PubMed 10698519 (cited by Center for Genomic Medicine, Rigshospitalet, Copenhagen University Hospital); PubMed 10487827 (cited by Center for Genomic Medicine, Rigshospitalet, Copenhagen University Hospital); PubMed 12200448 (cited by Center for Genomic Medicine, Rigshospitalet, Copenhagen University Hospital); PubMed 22749188 (cited by Institute for Genomic Medicine (IGM) Clinical Laboratory, Nationwide Children's Hospital); PubMed 33994539 (cited by Institute for Genomic Medicine (IGM) Clinical Laboratory, Nationwide Children's Hospital); PubMed 24735922 (cited by Institute for Genomic Medicine (IGM) Clinical Laboratory, Nationwide Children's Hospital); PubMed 12799363 (cited by Institute for Genomic Medicine (IGM) Clinical Laboratory, Nationwide Children's Hospital); PubMed 12466115 (cited by Institute for Genomic Medicine (IGM) Clinical Laboratory, Nationwide Children's Hospital); PubMed 24413733 (cited by Institute for Genomic Medicine (IGM) Clinical Laboratory, Nationwide Children's Hospital); PubMed 28069929 (cited by Institute for Genomic Medicine (IGM) Clinical Laboratory, Nationwide Children's Hospital); PubMed 16140927 (cited by Institute for Genomic Medicine (IGM) Clinical Laboratory, Nationwide Children's Hospital); PubMed 2574372 (cited by Institute for Genomic Medicine (IGM) Clinical Laboratory, Nationwide Children's Hospital); PubMed 27165744 (cited by Institute for Genomic Medicine (IGM) Clinical Laboratory, Nationwide Children's Hospital); PubMed 25490274 (cited by Institute for Genomic Medicine (IGM) Clinical Laboratory, Nationwide Children's Hospital); PubMed 24747642 (cited by Institute for Genomic Medicine (IGM) Clinical Laboratory, Nationwide Children's Hospital); PubMed 26815163 (cited by Institute for Genomic Medicine (IGM) Clinical Laboratory, Nationwide Children's Hospital); PubMed 27468715 (cited by Institute for Genomic Medicine (IGM) Clinical Laboratory, Nationwide Children's Hospital); PubMed 22722829 (cited by Institute for Genomic Medicine (IGM) Clinical Laboratory, Nationwide Children's Hospital); PubMed 28726821 (cited by Institute for Genomic Medicine (IGM) Clinical Laboratory, Nationwide Children's Hospital); PubMed 29435196 (cited by Institute for Genomic Medicine (IGM) Clinical Laboratory, Nationwide Children's Hospital); PubMed 34166060 (cited by Institute for Genomic Medicine (IGM) Clinical Laboratory, Nationwide Children's Hospital); PubMed 24436047 (cited by Institute for Genomic Medicine (IGM) Clinical Laboratory, Nationwide Children's Hospital); PubMed 24332040 (cited by Institute for Genomic Medicine (IGM) Clinical Laboratory, Nationwide Children's Hospital); PubMed 22142829 (cited by Institute for Genomic Medicine (IGM) Clinical Laboratory, Nationwide Children's Hospital); PubMed 26822237 (cited by Donald Williams Parsons Laboratory, Baylor College of Medicine); PubMed 9927029 (cited by OMIM); PubMed 9500465 (cited by OMIM); PubMed 10398436 (cited by OMIM); PubMed 10435629 (cited by OMIM); PubMed 10655994 (cited by OMIM).